The following is an entry in ClinVar:

NM_001244008.2(KIF1A):c.5333+4G>A

Gene: KIF1A (kinesin family member 1A; minus strand). Cytogenetic location: 2q37.3.
Variant type: single nucleotide variant.
Coding change: c.5333+4G>A on transcript NM_001244008.2 (MANE Select); 4 bases into the intron after coding-DNA position 5333, G replaced by A.
Molecular consequence: intron variant.
Genome position (GRCh38, 1-based): chr2:240,718,046, C>T on the plus strand (G>A on the coding strand, the complement: KIF1A is on the minus strand). VCF-style: chr2-240718046-C-T. GRCh37 (hg19) VCF-style: chr2-241657463-C-T.
Other names: c.5030+4G>A (NM_001379653.1, NM_001379650.1, NM_004321.8 and 1 more transcripts); c.5306+4G>A (NM_001379645.1, NM_001379633.1); c.5156+4G>A (NM_001379635.1, NM_001379646.1); c.5027+4G>A (NM_001379640.1); c.4994+4G>A (NM_001379641.1); c.5054+4G>A (NM_001379639.1); c.5057+4G>A (NM_001379649.1, NM_001320705.2); c.5144+4G>A (NM_001379636.1); and 8 more.
Identifiers: ClinVar variation 2430410 (VCV002430410.2), dbSNP rs2536567205, ClinGen allele CA2580068023.

ClinVar aggregate classification (germline): Uncertain significance (1 of 4 stars; one submission).

Allele frequency attached by ClinVar (database versions not stated): gnomAD exomes below 0.00001.
gnomAD v4.1: 1 of 1,597,104 alleles (0.000063%); highest among the groups gnomAD compares: Non-Finnish European, 0.000085%; no homozygotes.

Submission:

GeneDx
Classification: Uncertain significance. Last evaluated: 2026-09-14. Review status: criteria provided, single submitter. Criteria: GeneDx Variant Classification Process June 2021. Collection method: clinical testing. Allele origin: germline.
Comment: Not observed at significant frequency in large population cohorts (gnomAD); In silico analysis suggests that this variant does not alter splicing; Has not been previously published as pathogenic or benign to our knowledge